The following is an entry in ClinVar:

ClinVar aggregate classification (germline): Uncertain significance (1 of 4 stars; one submission).

Conditions:
Inborn genetic diseases. Identifiers: MedGen C0950123, MeSH D030342.

gnomAD v4.1: 3 of 1,611,666 alleles (0.00019%); highest among the groups gnomAD compares: East Asian, 0.0022%; no homozygotes.

Submission:

Ambry Genetics
Classification: Uncertain significance for Inborn genetic diseases. Last evaluated: 2025-01-23. Review status: criteria provided, single submitter. Criteria: Ambry Variant Classification Scheme 2023. Collection method: clinical testing. Allele origin: germline.
Comment: The p.E1202D variant (also known as c.3606A>C), located in coding exon 36 of the FANCA gene, results from an A to C substitution at nucleotide position 3606. The glutamic acid at codon 1202 is replaced by aspartic acid, an amino acid with highly similar properties. This amino acid position is conserved. In addition, this alteration is predicted to be tolerated by in silico analysis. Based on the available evidence, the clinical significance of this variant remains unclear.

NM_000135.4(FANCA):c.3606A>C (p.Glu1202Asp)

Gene: FANCA (FA complementation group A; minus strand). Cytogenetic location: 16q24.3.
Variant type: single nucleotide variant.
Coding change: c.3606A>C on transcript NM_000135.4 (MANE Select); coding-DNA position 3606, A replaced by C.
Protein change: p.Glu1202Asp; replaces glutamic acid 1202 with aspartic acid.
Molecular consequence: missense variant.
Genome position (GRCh38, 1-based): chr16:89,744,979, T>G on the plus strand (A>C on the coding strand, the complement: FANCA is on the minus strand). VCF-style: chr16-89744979-T-G. GRCh37 (hg19) VCF-style: chr16-89811387-T-G.
Other names: c.3606A>C, p.Glu1202Asp (NM_001286167.3); short protein forms E1202D.
Identifiers: ClinVar variation 3848140 (VCV003848140.1).